The following is an entry in ClinVar:

ClinVar aggregate classification (germline): Uncertain significance (1 of 4 stars; one submission).

Conditions:
Fabry disease. Also called: ALPHA-GALACTOSIDASE A DEFICIENCY; ANDERSON-FABRY DISEASE; CERAMIDE TRIHEXOSIDASE DEFICIENCY; GLA DEFICIENCY; HEREDITARY DYSTOPIC LIPIDOSIS; Angiokeratoma corporis diffusum. Identifiers: Orphanet 324, MedGen C0002986, MONDO:0010526, OMIM 301500, HP:0001071. Disease mechanism: Fabry disease is due to inactivating mutations in the X-linked GLA gene resulting in deficiency of the enzyme Alpha Galactosidase-A., loss of function.

Submission:

Genomenon, Inc
Classification: Uncertain significance for Fabry disease. Last evaluated: 2026-09-08. Review status: criteria provided, single submitter. Criteria: Genomenon Sequence Variant Interpretation Standards - Updated. Collection method: curation. Allele origin: germline. Affected: no.
Comment: GLA c.640-801G>C is an intronic variant located in intron 4. This variant has been reported in the published literature (PMID:11828341). It is absent or not present at a significant frequency in gnomAD. In silico models predict that this variant is possibly or probably damaging. In conclusion, we classify GLA c.640-801G>C as a variant of uncertain significance.

Literature cited by the submitters: PubMed 11828341.

NM_000169.3(GLA):c.640-801G>C

Genes: GLA (galactosidase alpha; minus strand), RPL36A-HNRNPH2 (RPL36A-HNRNPH2 readthrough; plus strand). Cytogenetic location: Xq22.1.
Variant type: single nucleotide variant.
Coding change: c.640-801G>C on transcript NM_000169.3 (MANE Select); 801 bases into the intron before coding-DNA position 640, G replaced by C.
Molecular consequence: intron variant. On other transcripts: non-coding transcript variant (1).
Genome position (GRCh38, 1-based): chrX:101,399,747, C>G on the plus strand (G>C on the coding strand, the complement: GLA is on the minus strand). VCF-style: chrX-101399747-C-G. GRCh37 (hg19) VCF-style: chrX-100654735-C-G.
Other names: c.300+4290C>G (NM_001199973.2); c.177+7925C>G (NM_001199974.2); c.763-801G>C (NM_001406747.1); c.640-801G>C (NM_001406748.1).
Identifiers: ClinVar variation 4087120 (VCV004087120.2).